The following is an entry in ClinVar:

ClinVar aggregate classification (germline): Likely pathogenic (1 of 4 stars; one submission).

Submission:

GeneDx
Classification: Likely pathogenic. Last evaluated: 2015-04-01. Review status: criteria provided, single submitter. Criteria: GeneDx Variant Classification (06012015). Collection method: clinical testing. Allele origin: germline. Affected: yes.
Comment: The E1787Q variant has not been published as a pathogenic variant, nor has it been reported as a benign polymorphism to our knowledge. The E1787Q variant was not observed in approximately 6,500 individuals of European and African American ancestry in the NHLBI Exome Sequencing Project, indicating it is not a common benign variant in these populations. The E1787Q variant is a semi-conservative amino acid substitution, which may impact secondary protein structure as these residues differ in some properties. This substitution occurs at a position that is conserved across species. In silico analysis predicts this variant is probably damaging to the protein structure/function. Additionally, missense variants in nearby residues (R1781C, D1792G) have been reported in the Human Gene Mutation Database in association with cardiomyopathy (Stenson et al., 2014), supporting the functional importance of this region of the protein.Therefore, this variant is a strong candidate for a pathogenic variant, however the possibility that it is a benign variant cannot be excluded

NM_000257.4(MYH7):c.5359G>C (p.Glu1787Gln)

Gene: MYH7 (myosin heavy chain 7; minus strand). Cytogenetic location: 14q11.2.
Variant type: single nucleotide variant.
Coding change: c.5359G>C on transcript NM_000257.4 (MANE Select); coding-DNA position 5359, G replaced by C.
Protein change: p.Glu1787Gln; replaces glutamic acid 1787 with glutamine.
Molecular consequence: missense variant.
Genome position (GRCh38, 1-based): chr14:23,415,195, C>G on the plus strand (G>C on the coding strand, the complement: MYH7 is on the minus strand). VCF-style: chr14-23415195-C-G. GRCh37 (hg19) VCF-style: chr14-23884404-C-G.
Other names: c.5359G>C (LRG_384t1); short protein forms E1787Q.
Identifiers: ClinVar variation 427207 (VCV000427207.2), dbSNP rs1085308025, ClinGen allele CA389035733.